The following is an entry in ClinVar:

ClinVar aggregate classification (germline): Uncertain significance. Review status: criteria provided, multiple submitters, no conflicts (2 of 4 stars). 2 submissions from 2 submitters: Uncertain significance (2). Last evaluated 2023-12-08.

Conditions:
Hereditary cancer-predisposing syndrome. Also called: Hereditary Cancer Syndrome; Neoplastic Syndromes, Hereditary; Tumor predisposition; Hereditary neoplastic syndrome. Identifiers: Orphanet 140162, MedGen C0027672, MeSH D009386, MONDO:0015356.
Cardiovascular phenotype. Identifiers: MedGen CN230736.
Neurofibromatosis, type 1 (NF1). Also called: VON RECKLINGHAUSEN DISEASE; Peripheral type neurofibromatosis; Neurofibromatosis, type I; NEUROFIBROMATOSIS, TYPE I, SOMATIC. Identifiers: Orphanet 636, MedGen C0027831, MONDO:0018975, OMIM 162200. Disease mechanism: loss of function.

Submissions (2):

Ambry Genetics
Classification: Uncertain significance for Cardiovascular phenotype; Hereditary cancer-predisposing syndrome. Last evaluated: 2023-12-08. Review status: criteria provided, single submitter. Criteria: Ambry Variant Classification Scheme 2023. Collection method: clinical testing. Allele origin: germline.
Comment: The p.K1105E variant (also known as c.3313A>G), located in coding exon 25 of the NF1 gene, results from an A to G substitution at nucleotide position 3313. The lysine at codon 1105 is replaced by glutamic acid, an amino acid with similar properties. This amino acid position is conserved. In addition, the in silico prediction for this alteration is inconclusive. Since supporting evidence is limited at this time, the clinical significance of this alteration remains unclear.

Labcorp Genetics (formerly Invitae), Labcorp
Classification: Uncertain significance for Neurofibromatosis, type 1. Last evaluated: 2021-04-26. Review status: criteria provided, single submitter. Criteria: Invitae Variant Classification Sherloc (09022015). Collection method: clinical testing. Allele origin: germline.
Comment: This sequence change replaces lysine with glutamic acid at codon 1105 of the NF1 protein (p.Lys1105Glu). The lysine residue is moderately conserved and there is a small physicochemical difference between lysine and glutamic acid. This variant is not present in population databases (ExAC no frequency). This variant has not been reported in the literature in individuals with NF1-related conditions. Algorithms developed to predict the effect of missense changes on protein structure and function (SIFT, PolyPhen-2, Align-GVGD) all suggest that this variant is likely to be tolerated, but these predictions have not been confirmed by published functional studies and their clinical significance is uncertain. In summary, the available evidence is currently insufficient to determine the role of this variant in disease. Therefore, it has been classified as a Variant of Uncertain Significance. Algorithms developed to predict the effect of sequence changes on RNA splicing suggest that this variant may disrupt the consensus splice site, but this prediction has not been confirmed by published transcriptional studies.

NM_001042492.3(NF1):c.3313A>G (p.Lys1105Glu)

Gene: NF1 (neurofibromin 1; plus strand). Cytogenetic location: 17q11.2.
Variant type: single nucleotide variant.
Coding change: c.3313A>G on transcript NM_001042492.3 (MANE Select); coding-DNA position 3313, A replaced by G.
Protein change: p.Lys1105Glu; replaces lysine 1105 with glutamic acid.
Molecular consequence: missense variant.
Genome position (GRCh38, 1-based): chr17:31,232,188, A>G. VCF-style: chr17-31232188-A-G. GRCh37 (hg19) VCF-style: chr17-29559206-A-G.
Other names: c.3313A>G, p.Lys1105Glu (NM_000267.4); short protein forms K1105E.
Identifiers: ClinVar variation 1349112 (VCV001349112.9), dbSNP rs1555614867, ClinGen allele CA398988941.